The following is an entry in ClinVar:

NM_206933.4(USH2A):c.10211C>T (p.Pro3404Leu)

Gene: USH2A (usherin; minus strand). Cytogenetic location: 1q41.
Variant type: single nucleotide variant.
Coding change: c.10211C>T on transcript NM_206933.4 (MANE Select); coding-DNA position 10211, C replaced by T.
Protein change: p.Pro3404Leu; replaces proline 3404 with leucine.
Molecular consequence: missense variant.
Genome position (GRCh38, 1-based): chr1:215,786,846, G>A on the plus strand (C>T on the coding strand, the complement: USH2A is on the minus strand). VCF-style: chr1-215786846-G-A. GRCh37 (hg19) VCF-style: chr1-215960188-G-A.
Other names: c.10211C>T (NM_206933.2); short protein forms P3404L.
Identifiers: ClinVar variation 2166002 (VCV002166002.3), dbSNP rs761814307, ClinGen allele CA1394095.

ClinVar aggregate classification (germline): Uncertain significance. Review status: criteria provided, multiple submitters, no conflicts (2 of 4 stars). 3 submissions from 3 submitters: Uncertain significance (3). Last evaluated 2025-12-09.

Conditions:
Inborn genetic diseases. Identifiers: MedGen C0950123, MeSH D030342.

Allele frequency attached by ClinVar (database versions not stated): ExAC 0.00001; gnomAD 0.00001; gnomAD exomes 0.00001; TOPMed 0.00002.
gnomAD v4.1: 10 of 1,613,772 alleles (0.00062%); highest among the groups gnomAD compares: African/African-American, 0.0013%; no homozygotes.

Submissions (3):

Ambry Genetics
Classification: Uncertain significance for Inborn genetic diseases. Last evaluated: 2025-12-09. Review status: criteria provided, single submitter. Criteria: Ambry Variant Classification Scheme 2023. Collection method: clinical testing. Allele origin: germline.

Blueprint Genetics
Classification: Uncertain significance. Last evaluated: 2024-02-05. Review status: criteria provided, single submitter. Criteria: ACMG Guidelines, 2015. Collection method: clinical testing. Allele origin: germline.

Labcorp Genetics (formerly Invitae), Labcorp
Classification: Uncertain significance. Last evaluated: 2022-05-13. Review status: criteria provided, single submitter. Criteria: Invitae Variant Classification Sherloc (09022015). Collection method: clinical testing. Allele origin: germline.
Comment: This sequence change replaces proline, which is neutral and non-polar, with leucine, which is neutral and non-polar, at codon 3404 of the USH2A protein (p.Pro3404Leu). This variant is present in population databases (rs761814307, gnomAD 0.004%). This variant has not been reported in the literature in individuals affected with USH2A-related conditions. Algorithms developed to predict the effect of missense changes on protein structure and function output the following: SIFT: "Tolerated"; PolyPhen-2: "Benign"; Align-GVGD: "Class C0". The leucine amino acid residue is found in multiple mammalian species, which suggests that this missense change does not adversely affect protein function. In summary, the available evidence is currently insufficient to determine the role of this variant in disease. Therefore, it has been classified as a Variant of Uncertain Significance.